The following is an entry in ClinVar:

ClinVar aggregate classification (germline): Likely benign. Review status: criteria provided, multiple submitters, no conflicts (2 of 4 stars). 2 submissions from 2 submitters: Likely benign (2). Last evaluated 2025-02-27.

Allele frequency attached by ClinVar (database versions not stated): ExAC 0.00002; gnomAD 0.00002; TOPMed 0.00003.
gnomAD v4.1: 15 of 1,613,900 alleles (0.00093%); highest among the groups gnomAD compares: Admixed American, 0.0067%; no homozygotes.

Submissions (2):

Labcorp Genetics (formerly Invitae), Labcorp
Classification: Likely benign. Last evaluated: 2025-02-27. Review status: criteria provided, single submitter. Criteria: Invitae Variant Classification Sherloc (09022015). Collection method: clinical testing. Allele origin: germline.

CeGaT Center for Human Genetics Tuebingen
Classification: Likely benign. Last evaluated: 2022-11-01. Review status: criteria provided, single submitter. Criteria: CeGaT Center For Human Genetics Tuebingen Variant Classification Criteria Version 2. Collection method: clinical testing. Allele origin: germline. Affected: yes. Observed: 1 variant allele.
Comment: BPTF: BP4, BP7

NM_182641.4(BPTF):c.4050G>A (p.Pro1350=)

Gene: BPTF (bromodomain PHD finger transcription factor; plus strand). Cytogenetic location: 17q24.2.
Variant type: single nucleotide variant.
Coding change: c.4050G>A on transcript NM_182641.4 (MANE Select); coding-DNA position 4050, G replaced by A.
Protein change: p.Pro1350=; no amino-acid change (proline 1350 retained).
Molecular consequence: synonymous variant.
Genome position (GRCh38, 1-based): chr17:67,911,934, G>A. VCF-style: chr17-67911934-G-A. GRCh37 (hg19) VCF-style: chr17-65908050-G-A.
Other names: c.4428G>A, p.Pro1476= (NM_004459.7).
Identifiers: ClinVar variation 2648133 (VCV002648133.25), dbSNP rs772759476, ClinGen allele CA8725749.